The following is an entry in ClinVar:

NM_000308.4(CTSA):c.194+3C>T

Gene: CTSA (cathepsin A; plus strand). Cytogenetic location: 20q13.12.
Variant type: single nucleotide variant.
Coding change: c.194+3C>T on transcript NM_000308.4 (MANE Select); 3 bases into the intron after coding-DNA position 194, C replaced by T.
Molecular consequence: intron variant.
Genome position (GRCh38, 1-based): chr20:45,891,765, C>T. VCF-style: chr20-45891765-C-T. GRCh37 (hg19) VCF-style: chr20-44520404-C-T.
Other names: c.194+3C>T (NM_001127695.3, NM_001167594.3).
Identifiers: ClinVar variation 1357683 (VCV001357683.3), dbSNP rs1986958974, ClinGen allele CA2366420746.

ClinVar aggregate classification (germline): Uncertain significance (1 of 4 stars; one submission).

Conditions:
Combined deficiency of sialidase AND beta galactosidase (GSL). Also called: CATHEPSIN A DEFICIENCY; GOLDBERG SYNDROME; Galactosialidosis; NEURAMINIDASE DEFICIENCY WITH BETA-GALACTOSIDASE DEFICIENCY; NEURAMINIDASE/BETA-GALACTOSIDASE EXPRESSION; PPCA DEFICIENCY. Identifiers: Orphanet 351, MedGen C0268233, MONDO:0009737, OMIM 256540.

Allele frequency attached by ClinVar (database versions not stated): gnomAD exomes below 0.00001; TOPMed below 0.00001.

Submission:

Labcorp Genetics (formerly Invitae), Labcorp
Classification: Uncertain significance for Combined deficiency of sialidase AND beta galactosidase. Last evaluated: 2021-11-06. Review status: criteria provided, single submitter. Criteria: Invitae Variant Classification Sherloc (09022015). Collection method: clinical testing. Allele origin: germline.
Comment: This sequence change falls in intron 2 of the CTSA gene. It does not directly change the encoded amino acid sequence of the CTSA protein. It affects a nucleotide within the consensus splice site. This variant is not present in population databases (gnomAD no frequency). This variant has not been reported in the literature in individuals affected with CTSA-related conditions. Variants that disrupt the consensus splice site are a relatively common cause of aberrant splicing (PMID: 17576681, 9536098). Experimental studies and prediction algorithms are not available or were not evaluated, and the effect of this variant on mRNA splicing is currently unknown. In summary, the available evidence is currently insufficient to determine the role of this variant in disease. Therefore, it has been classified as a Variant of Uncertain Significance.

Literature cited by the submitters: PubMed 17576681; PubMed 9536098.